The following is an entry in ClinVar:

ClinVar aggregate classification (germline): Uncertain significance (1 of 4 stars; one submission).

Conditions:
Familial adenomatous polyposis 1 (FAP1). Also called: POLYPOSIS, ADENOMATOUS INTESTINAL; FAMILIAL ADENOMATOUS POLYPOSIS 1, ATTENUATED. Identifiers: MedGen C2713442, MONDO:0021056, OMIM 175100. Disease mechanism: loss of function.

Submission:

Labcorp Genetics (formerly Invitae), Labcorp
Classification: Uncertain significance for Familial adenomatous polyposis 1. Last evaluated: 2025-07-31. Review status: criteria provided, single submitter. Criteria: Invitae Variant Classification Sherloc (09022015). Collection method: clinical testing. Allele origin: germline.
Comment: This sequence change replaces alanine, which is neutral and non-polar, with valine, which is neutral and non-polar, at codon 2046 of the APC protein (p.Ala2046Val). This variant is not present in population databases (gnomAD no frequency). This variant has not been reported in the literature in individuals affected with APC-related conditions. ClinVar contains an entry for this variant (Variation ID: 2752840). Invitae Evidence Modeling of protein sequence and biophysical properties (such as structural, functional, and spatial information, amino acid conservation, physicochemical variation, residue mobility, and thermodynamic stability) has been performed for this missense variant. However, the output from this modeling did not meet the statistical confidence thresholds required to predict the impact of this variant on APC protein function. In summary, the available evidence is currently insufficient to determine the role of this variant in disease. Therefore, it has been classified as a Variant of Uncertain Significance.

NM_000038.6(APC):c.6137C>T (p.Ala2046Val)

Gene: APC (APC regulator of Wnt signaling pathway; plus strand). Cytogenetic location: 5q22.2.
Variant type: single nucleotide variant.
Coding change: c.6137C>T on transcript NM_000038.6 (MANE Select); coding-DNA position 6137, C replaced by T.
Protein change: p.Ala2046Val; replaces alanine 2046 with valine.
Molecular consequence: missense variant. On other transcripts: non-coding transcript variant (2).
Genome position (GRCh38, 1-based): chr5:112,841,731, C>T. VCF-style: chr5-112841731-C-T. GRCh37 (hg19) VCF-style: chr5-112177428-C-T.
Other names: c.6137C>T, p.Ala2046Val (NM_001127510.3, NM_001354895.2, NM_001407450.1); c.6083C>T, p.Ala2028Val (NM_001127511.3); c.6191C>T, p.Ala2064Val (NM_001354896.2, NM_001407447.1, NM_001407448.1 and 1 more transcripts); c.6167C>T, p.Ala2056Val (NM_001354897.2); c.6062C>T, p.Ala2021Val (NM_001354898.2); c.6053C>T, p.Ala2018Val (NM_001354899.2); c.6014C>T, p.Ala2005Val (NM_001354900.2); c.5960C>T, p.Ala1987Val (NM_001354901.2, NM_001407453.1); and 11 more; short protein forms A1763V, A1886V, A1955V, A1987V, A2021V, A2036V, A2039V, A2074V.
Identifiers: ClinVar variation 2752840 (VCV002752840.3), dbSNP rs2149957981, ClinGen allele CA16034767.
Genomic context (GRCh38, chr5:112,841,731, plus strand): 5'-CTCTCAGTTCTCTTAGTATTGACTCTGAAGATGACCTGTTGCAGGAATGTATAAGCTCCG[C>T]AATGCCAAAAAAGAAAAAGCCTTCAAGACTCAAGGGTGATAATGAAAAACATAGTCCCAG-3'
Protein context (NP_000029.2, residues 2036-2056): DDLLQECISS[Ala2046Val]MPKKKKPSRL